The following is an entry in ClinVar:

ClinVar aggregate classification (germline): Conflicting classifications of pathogenicity. Review status: criteria provided, conflicting classifications (1 of 4 stars). 6 submissions from 6 submitters: Uncertain significance (1); Likely benign (5). Last evaluated 2026-01-20.

Conditions:
Neuromuscular disease caused by qualitative or quantitative defects of dysferlin. Also called: Dysferlinopathy; Qualitative or quantitative defects of dysferlin. Identifiers: Orphanet 207073, MedGen C2931687, MONDO:0016145.

Allele frequency attached by ClinVar (database versions not stated): ESP Exome Variant Server 0.00015; gnomAD 0.00036; TOPMed 0.00037; gnomAD exomes 0.00044; 1000 Genomes Project 0.00060; 1000 Genomes Project 30x 0.00062.
gnomAD v4.1: 747 of 1,613,282 alleles (0.046%); highest among the groups gnomAD compares: Admixed American, 0.077%; no homozygotes.

Submissions (6):

Labcorp Genetics (formerly Invitae), Labcorp
Classification: Likely benign for Neuromuscular disease caused by qualitative or quantitative defects of dysferlin. Last evaluated: 2026-01-20. Review status: criteria provided, single submitter. Criteria: Invitae Variant Classification Sherloc (09022015). Collection method: clinical testing. Allele origin: germline.

Mayo Clinic Laboratories, Mayo Clinic
Classification: Likely benign. Last evaluated: 2025-09-30. Review status: criteria provided, single submitter. Criteria: ACMG Guidelines, 2015. Collection method: clinical testing. Allele origin: germline. Observed: 2 variant alleles.
Comment: BP4, BP7

Blueprint Genetics
Classification: Likely benign. Last evaluated: 2024-11-26. Review status: criteria provided, single submitter. Criteria: ACMG Guidelines, 2015. Collection method: clinical testing. Allele origin: germline.

Athena Diagnostics
Classification: Likely benign. Last evaluated: 2018-09-28. Review status: criteria provided, single submitter. Criteria: Athena Diagnostics Criteria. Collection method: clinical testing. Allele origin: germline.

GeneDx
Classification: Likely benign. Last evaluated: 2017-11-06. Review status: criteria provided, single submitter. Criteria: GeneDx Variant Classification (06012015). Collection method: clinical testing. Allele origin: germline. Affected: yes.
Comment: This variant is considered likely benign or benign based on one or more of the following criteria: it is a conservative change, it occurs at a poorly conserved position in the protein, it is predicted to be benign by multiple in silico algorithms, and/or has population frequency not consistent with disease.

Eurofins Ntd Llc (ga)
Classification: Uncertain significance. Last evaluated: 2015-10-13. Review status: criteria provided, single submitter. Criteria: EGL Classification Definitions 2015. Collection method: clinical testing. Allele origin: germline. Observed: 1 variant allele, 1 heterozygote.

NM_001130987.2(DYSF):c.3086-9C>T

Gene: DYSF (dysferlin; plus strand). Cytogenetic location: 2p13.2.
Variant type: single nucleotide variant.
Coding change: c.3086-9C>T on transcript NM_001130987.2 (MANE Select); 9 bases into the intron before coding-DNA position 3086, C replaced by T.
Molecular consequence: intron variant.
Genome position (GRCh38, 1-based): chr2:71,570,590, C>T. VCF-style: chr2-71570590-C-T. GRCh37 (hg19) VCF-style: chr2-71797720-C-T.
Other names: p.?; c.3125-9C>T (NM_001130979.2); c.3083-9C>T (NM_001130981.2, NM_001130980.2); c.3032-9C>T (NM_001130978.2, NM_003494.4); c.2990-9C>T (NM_001130977.2, NM_001130976.2); c.3128-9C>T (NM_001130982.2); c.3086-9C>T (NM_001130985.2); c.3035-9C>T (NM_001130983.2, NM_001130455.2); and 1 more.
Identifiers: ClinVar variation 196176 (VCV000196176.19), dbSNP rs185350547, ClinGen allele CA243042.